The following is an entry in ClinVar:

NM_000135.4(FANCA):c.1483C>G (p.His495Asp)

Gene: FANCA (FA complementation group A; minus strand). Cytogenetic location: 16q24.3.
Variant type: single nucleotide variant.
Coding change: c.1483C>G on transcript NM_000135.4 (MANE Select); coding-DNA position 1483, C replaced by G.
Protein change: p.His495Asp; replaces histidine 495 with aspartic acid.
Molecular consequence: missense variant.
Genome position (GRCh38, 1-based): chr16:89,783,090, G>C on the plus strand (C>G on the coding strand, the complement: FANCA is on the minus strand). VCF-style: chr16-89783090-G-C. GRCh37 (hg19) VCF-style: chr16-89849498-G-C.
Other names: c.1483C>G, p.His495Asp (NM_001286167.3); short protein forms H495D.
Identifiers: ClinVar variation 2128285 (VCV002128285.4), dbSNP rs2039776549, ClinGen allele CA397458243.

ClinVar aggregate classification (germline): Uncertain significance (1 of 4 stars; one submission).

Conditions:
Fanconi anemia (FA). Also called: Fanconi's anemia. Identifiers: Orphanet 84, MedGen C0015625, MeSH D005199, MONDO:0019391.

Submission:

Labcorp Genetics (formerly Invitae), Labcorp
Classification: Uncertain significance for Fanconi anemia. Last evaluated: 2022-10-11. Review status: criteria provided, single submitter. Criteria: Invitae Variant Classification Sherloc (09022015). Collection method: clinical testing. Allele origin: germline.
Comment: In summary, the available evidence is currently insufficient to determine the role of this variant in disease. Therefore, it has been classified as a Variant of Uncertain Significance. Advanced modeling of protein sequence and biophysical properties (such as structural, functional, and spatial information, amino acid conservation, physicochemical variation, residue mobility, and thermodynamic stability) performed at Invitae indicates that this missense variant is expected to disrupt FANCA protein function. This variant has not been reported in the literature in individuals affected with FANCA-related conditions. This variant is not present in population databases (gnomAD no frequency). This sequence change replaces histidine, which is basic and polar, with aspartic acid, which is acidic and polar, at codon 495 of the FANCA protein (p.His495Asp).